The following is an entry in ClinVar:

NM_002427.4(MMP13):c.14T>C (p.Val5Ala)

Genes: MMP13 (matrix metallopeptidase 13; minus strand), LOC126861318 (BRD4-independent group 4 enhancer GRCh37_chr11:102825894-102827093; plus strand). Cytogenetic location: 11q22.2.
Variant type: single nucleotide variant.
Coding change: c.14T>C on transcript NM_002427.4 (MANE Select); coding-DNA position 14, T replaced by C.
Protein change: p.Val5Ala; replaces valine 5 with alanine.
Molecular consequence: missense variant.
Genome position (GRCh38, 1-based): chr11:102,955,692, A>G on the plus strand (T>C on the coding strand, the complement: MMP13 is on the minus strand). VCF-style: chr11-102955692-A-G. GRCh37 (hg19) VCF-style: chr11-102826421-A-G.
Other names: short protein forms V5A.
Identifiers: ClinVar variation 3366435 (VCV003366435.1).

ClinVar aggregate classification (germline): Uncertain significance (1 of 4 stars; one submission).

gnomAD v4.1: 13 of 1,613,774 alleles (0.00081%); highest among the groups gnomAD compares: South Asian, 0.013%; no homozygotes.

Submission:

Women's Health and Genetics/Laboratory Corporation of America, LabCorp
Classification: Uncertain significance. Last evaluated: 2024-08-07. Review status: criteria provided, single submitter. Criteria: LabCorp Variant Classification Summary - May 2015. Collection method: clinical testing. Allele origin: germline.
Comment: Variant summary: MMP13 c.14T>C (p.Val5Ala) results in a non-conservative amino acid change in the encoded protein sequence. Four of five in-silico tools predict a benign effect of the variant on protein function. The variant allele was found at a frequency of 2.4e-05 in 251000 control chromosomes (gnomAD). The available data on variant occurrences in the general population are insufficient to allow any conclusion about variant significance. To our knowledge, no occurrence of c.14T>C in individuals affected with Metaphyseal Anadysplasia 1, Autosomal Dominant and no experimental evidence demonstrating its impact on protein function have been reported. No submitters have cited clinical-significance assessments for this variant to ClinVar. Based on the evidence outlined above, the variant was classified as uncertain significance.